The following is an entry in ClinVar:

ClinVar aggregate classification (germline): Uncertain significance (1 of 4 stars; one submission).

Conditions:
Myoclonic dystonia 11 (DYT11). Also called: SGCE Myoclonus-Dystonia; Myoclonus-Dystonia; DYT-SGCE; Myoclonic dystonia; Dystonia 11; Dystonia, alcohol responsive. Identifiers: Orphanet 36899, MedGen C1834570, MONDO:0008044, OMIM 159900.

Submission:

Labcorp Genetics (formerly Invitae), Labcorp
Classification: Uncertain significance for Myoclonic dystonia 11. Last evaluated: 2025-06-17. Review status: criteria provided, single submitter. Criteria: Invitae Variant Classification Sherloc (09022015). Collection method: clinical testing. Allele origin: germline.
Comment: This sequence change replaces threonine, which is neutral and polar, with methionine, which is neutral and non-polar, at codon 16 of the SGCE protein (p.Thr16Met). This variant is not present in population databases (gnomAD no frequency). This variant has not been reported in the literature in individuals affected with SGCE-related conditions. An algorithm developed to predict the effect of missense changes on protein structure and function outputs the following: PolyPhen-2: "Benign". The methionine amino acid residue is found in multiple mammalian species, which suggests that this missense change does not adversely affect protein function. In summary, the available evidence is currently insufficient to determine the role of this variant in disease. Therefore, it has been classified as a Variant of Uncertain Significance.

NM_003919.3(SGCE):c.47C>T (p.Thr16Met)

Gene: SGCE (sarcoglycan epsilon; minus strand). Cytogenetic location: 7q21.3.
Variant type: single nucleotide variant.
Coding change: c.47C>T on transcript NM_003919.3 (MANE Select); coding-DNA position 47, C replaced by T.
Protein change: p.Thr16Met; replaces threonine 16 with methionine.
Molecular consequence: missense variant. On other transcripts: 5 prime UTR variant (4).
Genome position (GRCh38, 1-based): chr7:94,656,052, G>A on the plus strand (C>T on the coding strand, the complement: SGCE is on the minus strand). VCF-style: chr7-94656052-G-A. GRCh37 (hg19) VCF-style: chr7-94285364-G-A.
Other names: c.47C>T, p.Thr16Met (NM_001346713.2, NM_001346715.2, NM_001346717.2 and 4 more transcripts); c.-211C>T (NM_001346719.2); c.-289C>T (NM_001346720.2, NM_001362808.2); c.-217C>T (NM_001362807.2); short protein forms T16M.
Identifiers: ClinVar variation 4767236 (VCV004767236.1).